The following is an entry in ClinVar:

NM_152327.5(AK7):c.1928A>G (p.Gln643Arg)

Gene: AK7 (adenylate kinase 7; plus strand). Cytogenetic location: 14q32.2.
Variant type: single nucleotide variant.
Coding change: c.1928A>G on transcript NM_152327.5 (MANE Select); coding-DNA position 1928, A replaced by G.
Protein change: p.Gln643Arg; replaces glutamine 643 with arginine.
Molecular consequence: missense variant.
Genome position (GRCh38, 1-based): chr14:96,483,173, A>G. VCF-style: chr14-96483173-A-G. GRCh37 (hg19) VCF-style: chr14-96949510-A-G.
Other names: c.1859A>G, p.Gln620Arg (NM_001350888.2, NM_001350890.2); c.1850A>G, p.Gln617Arg (NM_001350891.2); c.1730A>G, p.Gln577Arg (NM_001350892.2); short protein forms Q577R, Q617R, Q620R, Q643R.
Identifiers: ClinVar variation 3606327 (VCV003606327.2).

ClinVar aggregate classification (germline): Uncertain significance (1 of 4 stars; one submission).

gnomAD v4.1: 3 of 1,613,028 alleles (0.00019%); highest among the groups gnomAD compares: Admixed American, 0.0033%; no homozygotes.

Submission:

Labcorp Genetics (formerly Invitae), Labcorp
Classification: Uncertain significance. Last evaluated: 2024-06-09. Review status: criteria provided, single submitter. Criteria: Invitae Variant Classification Sherloc (09022015). Collection method: clinical testing. Allele origin: germline.
Comment: This sequence change replaces glutamine, which is neutral and polar, with arginine, which is basic and polar, at codon 643 of the AK7 protein (p.Gln643Arg). This variant is not present in population databases (gnomAD no frequency). This variant has not been reported in the literature in individuals affected with AK7-related conditions. Advanced modeling of protein sequence and biophysical properties (such as structural, functional, and spatial information, amino acid conservation, physicochemical variation, residue mobility, and thermodynamic stability) performed at Invitae indicates that this missense variant is not expected to disrupt AK7 protein function with a negative predictive value of 80%. In summary, the available evidence is currently insufficient to determine the role of this variant in disease. Therefore, it has been classified as a Variant of Uncertain Significance.